The following is an entry in ClinVar:

NM_015046.7(SETX):c.7114G>A (p.Asp2372Asn)

Gene: SETX (senataxin; minus strand). Cytogenetic location: 9q34.13.
Variant type: single nucleotide variant.
Coding change: c.7114G>A on transcript NM_015046.7 (MANE Select); coding-DNA position 7114, G replaced by A.
Protein change: p.Asp2372Asn; replaces aspartic acid 2372 with asparagine.
Molecular consequence: missense variant.
Genome position (GRCh38, 1-based): chr9:132,271,795, C>T on the plus strand (G>A on the coding strand, the complement: SETX is on the minus strand). VCF-style: chr9-132271795-C-T. GRCh37 (hg19) VCF-style: chr9-135147182-C-T.
Other names: p.Asp2372Asn; c.7114G>A, p.Asp2372Asn (NM_001351527.2, NM_001351528.2); short protein forms D2372N.
Identifiers: ClinVar variation 260517 (VCV000260517.96), dbSNP rs150673589, ClinGen allele CA5296498.

ClinVar aggregate classification (germline): Benign/Likely benign. Review status: criteria provided, multiple submitters, no conflicts (2 of 4 stars). 17 submissions from 15 submitters: Benign (9); Likely benign (4). 4 of the submissions do not count toward it. Last evaluated 2026-09-01.

Conditions:
Spinocerebellar ataxia, autosomal recessive, with axonal neuropathy 2 (SCAN2). Also called: Ataxia with Oculomotor Apraxia Type 2; Ataxia with Oculomotor Apraxia; ATAXIA-OCULOMOTOR APRAXIA 2; Ataxia-ocular apraxia-2. Identifiers: Orphanet 64753, MedGen C1853761, MONDO:0018996, OMIM 606002.
Amyotrophic lateral sclerosis type 4 (ALS4). Also called: AMYOTROPHIC LATERAL SCLEROSIS 4, JUVENILE; NEURONOPATHY, DISTAL HEREDITARY MOTOR, WITH PYRAMIDAL FEATURES. Identifiers: Orphanet 357043, MedGen C1865409, MONDO:0011223, OMIM 602433.
Hereditary spastic paraplegia. Also called: Familial spastic paraparesis. Identifiers: Orphanet 685, MedGen C0037773, MONDO:0019064. Disease mechanism: loss of function.

Allele frequency attached by ClinVar (database versions not stated): ESP Exome Variant Server 0.00008; gnomAD 0.00178 and 0.00247; gnomAD exomes 0.00184 and 0.00609; TOPMed 0.00368; ExAC 0.00556; 1000 Genomes Project 0.00839; 1000 Genomes Project 30x 0.00890.
gnomAD v4.1: 3,077 of 1,613,594 alleles (0.19%); highest among the groups gnomAD compares: Admixed American, 2.3%; 37 homozygotes.

Submissions (22):

CeGaT Center for Human Genetics Tuebingen
Classification: Benign. Last evaluated: 2026-09-01. Review status: criteria provided, single submitter. Criteria: CeGaT Center For Human Genetics Tuebingen Variant Classification Criteria Version 2. Collection method: clinical testing. Allele origin: germline. Affected: yes. Observed: 8 variant alleles.
Comment: SETX: BS1, BS2

Labcorp Genetics (formerly Invitae), Labcorp
Classification: Benign for Amyotrophic lateral sclerosis type 4; Spinocerebellar ataxia, autosomal recessive, with axonal neuropathy 2. Last evaluated: 2026-01-27. Review status: criteria provided, single submitter. Criteria: Invitae Variant Classification Sherloc (09022015). Collection method: clinical testing. Allele origin: germline.

Athena Diagnostics
Classification: Benign. Last evaluated: 2024-05-17. Review status: criteria provided, single submitter. Criteria: Athena Diagnostics Criteria. Collection method: clinical testing. Allele origin: unknown.

Genome-Nilou Lab
Classification: Likely benign for Spinocerebellar ataxia, autosomal recessive, with axonal neuropathy 2. Last evaluated: 2023-02-08. Review status: criteria provided, single submitter. Criteria: ACMG Guidelines, 2015. Collection method: clinical testing. Allele origin: germline.

Genome-Nilou Lab
Classification: Likely benign for Amyotrophic lateral sclerosis type 4. Last evaluated: 2023-02-08. Review status: criteria provided, single submitter. Criteria: ACMG Guidelines, 2015. Collection method: clinical testing. Allele origin: germline.

ARUP Laboratories, Molecular Genetics and Genomics, ARUP Laboratories
Classification: Benign. Last evaluated: 2021-09-08. Review status: criteria provided, single submitter. Criteria: ARUP Molecular Germline Variant Investigation Process 2021. Collection method: clinical testing. Allele origin: germline.

GeneDx
Classification: Benign. Last evaluated: 2021-05-21. Review status: criteria provided, single submitter. Criteria: GeneDx Variant Classification Process June 2021. Collection method: clinical testing. Allele origin: germline. Affected: yes.
Comment: This variant is associated with the following publications: (PMID: 30076350, 25382069, 25174650)

Genome Diagnostics Laboratory, The Hospital for Sick Children
Classification: Likely benign for Hereditary spastic paraplegia. Last evaluated: 2018-07-01. Review status: criteria provided, single submitter. Criteria: ACMG Guidelines, 2015. Collection method: clinical testing. Allele origin: germline. Affected: yes.

Illumina Laboratory Services, Illumina
Classification: Benign for Amyotrophic lateral sclerosis type 4. Last evaluated: 2018-01-13. Review status: criteria provided, single submitter. Criteria: ICSL Variant Classification Criteria 13 December 2019. Collection method: clinical testing. Allele origin: germline.
Comment: This variant was observed in the ICSL laboratory as part of a predisposition screen in an ostensibly healthy population. It had not been previously curated by ICSL or reported in the Human Gene Mutation Database (HGMD: prior to June 1st, 2018), and was therefore a candidate for classification through an automated scoring system. Utilizing variant allele frequency, disease prevalence and penetrance estimates, and inheritance mode, an automated score was calculated to assess if this variant is too frequent to cause the disease. Based on the score and internal cut-off values, a variant classified as benign is not then subjected to further curation. The score for this variant resulted in a classification of benign for this disease.

Illumina Laboratory Services, Illumina
Classification: Benign for Spinocerebellar ataxia, autosomal recessive, with axonal neuropathy 2. Last evaluated: 2018-01-13. Review status: criteria provided, single submitter. Criteria: ICSL Variant Classification Criteria 13 December 2019. Collection method: clinical testing. Allele origin: germline.
Comment: the same text as in the submission from Illumina Laboratory Services, Illumina above.

Mayo Clinic Laboratories, Mayo Clinic
Classification: Benign. Last evaluated: 2016-11-04. Review status: criteria provided, single submitter. Criteria: ACMG Guidelines, 2015. Collection method: clinical testing. Allele origin: germline. Observed: 12 variant alleles.

Breakthrough Genomics
Classification: Likely benign. Review status: criteria provided, single submitter. Criteria: ACMG Guidelines, 2015. Collection method: not provided. Allele origin: germline. Inheritance: Autosomal recessive inheritance. Affected: yes.

PreventionGenetics, part of Exact Sciences
Classification: Benign. Review status: criteria provided, single submitter. Criteria: ACMG Guidelines, 2015. Collection method: clinical testing. Allele origin: germline.

Clinical Genetics DNA and cytogenetics Diagnostics Lab, Erasmus MC, Erasmus Medical Center
Classification: Likely benign. Review status: no assertion criteria provided. Collection method: clinical testing. Allele origin: germline. Affected: yes. Study: VKGL Data-share Consensus. Not counted in ClinVar's aggregate classification.

Clinical Genetics, Academic Medical Center
Classification: Likely benign. Review status: no assertion criteria provided. Collection method: clinical testing. Allele origin: germline. Affected: yes. Study: VKGL Data-share Consensus. Not counted in ClinVar's aggregate classification.

Diagnostic Laboratory, Department of Genetics, University Medical Center Groningen
Classification: Likely benign. Review status: no assertion criteria provided. Collection method: clinical testing. Allele origin: germline. Affected: yes. Study: VKGL Data-share Consensus. Not counted in ClinVar's aggregate classification.

Dr. Peter K. Rogan Lab, Western University
No classification provided (evidence only). Condition: Clear cell carcinoma of kidney. Review status: no classification provided. Collection method: in vitro. Allele origin: not applicable. Functional consequence: skipped exon. Not counted in ClinVar's aggregate classification.

Dr. Peter K. Rogan Lab, Western University
No classification provided (evidence only). Condition: Thyroid cancer, nonmedullary, 1. Review status: no classification provided. Collection method: in vitro. Allele origin: not applicable. Functional consequence: retained intron. Not counted in ClinVar's aggregate classification.

Dr. Peter K. Rogan Lab, Western University
No classification provided (evidence only). Condition: Cervical cancer. Review status: no classification provided. Collection method: in vitro. Allele origin: not applicable. Functional consequence: skipped exon. Not counted in ClinVar's aggregate classification.

Dr. Peter K. Rogan Lab, Western University
No classification provided (evidence only). Condition: Hepatocellular carcinoma. Review status: no classification provided. Collection method: in vitro. Allele origin: not applicable. Functional consequence: skipped exon. Not counted in ClinVar's aggregate classification.

Dr. Peter K. Rogan Lab, Western University
No classification provided (evidence only). Condition: Adrenocortical carcinoma, hereditary. Review status: no classification provided. Collection method: in vitro. Allele origin: not applicable. Functional consequence: retained intron. Not counted in ClinVar's aggregate classification.

Genome Diagnostics Laboratory, Amsterdam University Medical Center
Classification: Likely benign. Review status: no assertion criteria provided. Collection method: clinical testing. Allele origin: germline. Affected: yes. Study: VKGL Data-share Consensus. Not counted in ClinVar's aggregate classification.

Literature cited by the submitters: PubMed 25382069 (cited by Athena Diagnostics); PubMed 29411640 (cited by Athena Diagnostics).